The following is an entry in ClinVar:

NM_024063.3(AFG2B):c.2183C>T (p.Pro728Leu)

Gene: AFG2B (AAA ATPase AFG2B; plus strand). Cytogenetic location: 15q21.1.
Variant type: single nucleotide variant.
Coding change: c.2183C>T on transcript NM_024063.3 (MANE Select); coding-DNA position 2183, C replaced by T.
Protein change: p.Pro728Leu; replaces proline 728 with leucine.
Molecular consequence: missense variant. On other transcripts: non-coding transcript variant (5).
Genome position (GRCh38, 1-based): chr15:45,421,131, C>T. VCF-style: chr15-45421131-C-T. GRCh37 (hg19) VCF-style: chr15-45713329-C-T.
Other names: short protein forms P728L.
Identifiers: ClinVar variation 4293310 (VCV004293310.1).

ClinVar aggregate classification (germline): Uncertain significance (1 of 4 stars; one submission).

Conditions:
Hearing loss, autosomal recessive 119. Also called: DEAFNESS, AUTOSOMAL RECESSIVE 119. Identifiers: MedGen C5562023, MONDO:0030480, OMIM 619615.

gnomAD v4.1: 52 of 1,612,738 alleles (0.0032%); highest among the groups gnomAD compares: Admixed American, 0.01%; no homozygotes.

Submission:

3billion
Classification: Uncertain significance for Hearing loss, autosomal recessive 119. Last evaluated: 2024-07-17. Review status: criteria provided, single submitter. Criteria: ACMG Guidelines, 2015. Collection method: clinical testing. Allele origin: germline. Affected: yes.
Comment: The variant is observed at an extremely low frequency in the gnomAD v4.0.0 dataset (total allele frequency: 0.003%). Predicted Consequence/Location: Missense variant In silico tool predictions suggest damaging effect of the variant on gene or gene product [REVEL: 0.67 (>=0.6, sensitivity 0.68 and specificity 0.92)]. Therefore, this variant is classified as VUS according to the recommendation of ACMG/AMP guideline.